The following is an entry in ClinVar:

ClinVar aggregate classification (germline): Pathogenic. Review status: criteria provided, multiple submitters, no conflicts (2 of 4 stars). 4 submissions from 4 submitters: Pathogenic (4). Last evaluated 2024-03-14.

Conditions:
SLC37A4-related disorder. Also called: SLC37A4-related condition.
Glucose-6-phosphate transport defect (GSD1B). Also called: Glycogen Storage Disease Type Ib; GSD Ib. Identifiers: Orphanet 364, Orphanet 79259, MedGen C0268146, MONDO:0009288, OMIM 232220.

Allele frequency attached by ClinVar (database versions not stated): TOPMed below 0.00001; gnomAD exomes 0.00001; ExAC 0.00002.

Submissions (4):

Natera, Inc.
Classification: Pathogenic for Glycogen storage disease type Ib. Last evaluated: 2024-03-14. Review status: criteria provided, single submitter. Criteria: Natera Variant Classification Schema (03/2026). Collection method: clinical testing. Allele origin: germline.
Comment: The c.1123+1G>T variant in SLC37A4 is a canonical splice donor site variant predicted to affect pre-mRNA splicing, which may result in an abnormal transcript and altered protein product. This variant is expected to result in nonsense mediated decay, truncation, or a dysfunctional protein product. This variant is rare in the general population with a frequency below the threshold expected for the associated phenotype(s). This variant has been observed in one or more individuals affected with the associated recessive disease, as either homozygous or compound heterozygous with a second variant (PMID: 10482875, 29549044, 31587472). Given the available evidence, this variant is classified as Pathogenic.

Baylor Genetics
Classification: Pathogenic for Glucose-6-phosphate transport defect. Last evaluated: 2023-11-15. Review status: criteria provided, single submitter. Criteria: ACMG Guidelines, 2015. Collection method: clinical testing. Allele origin: unknown.

Labcorp Genetics (formerly Invitae), Labcorp
Classification: Pathogenic for Glucose-6-phosphate transport defect. Last evaluated: 2022-07-21. Review status: criteria provided, single submitter. Criteria: Invitae Variant Classification Sherloc (09022015). Collection method: clinical testing. Allele origin: germline.
Comment: This sequence change affects a donor splice site in intron 9 of the SLC37A4 gene. While this variant is not anticipated to result in nonsense mediated decay, it likely alters RNA splicing and results in a disrupted protein product. This variant is present in population databases (rs782630676, gnomAD 0.007%). Disruption of this splice site has been observed in individual(s) with clinical features of autosomal recessive SLC37A4-related conditions (PMID: 10482875, 11071391, 16716283; Invitae). In at least one individual the data is consistent with being in trans (on the opposite chromosome) from a pathogenic variant. This variant is also known as IVS7+1G→T. ClinVar contains an entry for this variant (Variation ID: 1514493). Variants that disrupt the consensus splice site are a relatively common cause of aberrant splicing (PMID: 17576681, 9536098). Algorithms developed to predict the effect of sequence changes on RNA splicing suggest that this variant may disrupt the consensus splice site. For these reasons, this variant has been classified as Pathogenic.

Blueprint Genetics
Classification: Pathogenic for SLC37A4-related disorders. Last evaluated: 2021-09-28. Review status: criteria provided, single submitter. Criteria: ACMG Guidelines, 2015. Collection method: clinical testing. Allele origin: germline. Affected: yes. Observed: 2 variant alleles.

Literature cited by the submitters: PubMed 10482875 (cited by Natera, Inc. and Labcorp Genetics (formerly Invitae), Labcorp); PubMed 29549044 (cited by Natera, Inc.); PubMed 31587472 (cited by Natera, Inc.); PubMed 11071391 (cited by Labcorp Genetics (formerly Invitae), Labcorp); PubMed 16716283 (cited by Labcorp Genetics (formerly Invitae), Labcorp); PubMed 17576681 (cited by Labcorp Genetics (formerly Invitae), Labcorp); PubMed 9536098 (cited by Labcorp Genetics (formerly Invitae), Labcorp).

NM_001164277.2(SLC37A4):c.1124+1G>T

Gene: SLC37A4 (solute carrier family 37 member 4; minus strand). Cytogenetic location: 11q23.3.
Variant type: single nucleotide variant.
Coding change: c.1124+1G>T on transcript NM_001164277.2 (MANE Select); the canonical splice donor site of the intron after coding-DNA position 1124, G replaced by T.
Molecular consequence: splice donor variant.
Genome position (GRCh38, 1-based): chr11:119,025,190, C>A on the plus strand (G>T on the coding strand, the complement: SLC37A4 is on the minus strand). VCF-style: chr11-119025190-C-A. GRCh37 (hg19) VCF-style: chr11-118895900-C-A.
Other names: c.1123+1G>T (NM_001164277.2, NM_001164277.1); c.905+1G>T (NM_001164279.2); c.1124+1G>T (NM_001467.6, NM_001164280.2); c.1190+1G>T (NM_001164278.2).
Identifiers: ClinVar variation 1514493 (VCV001514493.12), dbSNP rs782630676, ClinGen allele CA6311628.